The following is an entry in ClinVar:

NM_000426.4(LAMA2):c.7451+74C>T

Gene: LAMA2 (laminin subunit alpha 2; plus strand). Cytogenetic location: 6q22.33.
Variant type: single nucleotide variant.
Coding change: c.7451+74C>T on transcript NM_000426.4 (MANE Select); 74 bases into the intron after coding-DNA position 7451, C replaced by T.
Molecular consequence: intron variant.
Genome position (GRCh38, 1-based): chr6:129,475,475, C>T. VCF-style: chr6-129475475-C-T. GRCh37 (hg19) VCF-style: chr6-129796620-C-T.
Other names: c.7439+2123C>T (NM_001079823.2).
Identifiers: ClinVar variation 682955 (VCV000682955.1), dbSNP rs7741996, ClinGen allele CA12207987.
Genomic context (GRCh38, chr6:129,475,475, plus strand): 5'-TTATGCATGCCTTCTTCGAGTGCATGGGTTGGGTAAATGTGGCTTCTTAGATAAAGCAGC[C>T]GTGCAGAAGCAGAGCAACACCAGTACAGCTTTGTTCATAGTATGTTTCACGAGCAAGCCG-3'

ClinVar aggregate classification (germline): Benign (1 of 4 stars; one submission).

Allele frequency attached by ClinVar (database versions not stated): 1000 Genomes Project 0.40835; 1000 Genomes Project 30x 0.40849; gnomAD 0.41270 and 0.41325; TOPMed 0.41606; ESP Exome Variant Server 0.42335.
gnomAD v4.1: 443,222 of 1,091,014 alleles (41%); highest among the groups gnomAD compares: South Asian, 48%; 92,002 homozygotes.

Submission:

GeneDx
Classification: Benign. Last evaluated: 2018-06-14. Review status: criteria provided, single submitter. Criteria: GeneDx Variant Classification (06012015). Collection method: clinical testing. Allele origin: germline. Affected: yes.
Comment: This variant is considered likely benign or benign based on one or more of the following criteria: it is a conservative change, it occurs at a poorly conserved position in the protein, it is predicted to be benign by multiple in silico algorithms, and/or has population frequency not consistent with disease.